The following is an entry in ClinVar:

ClinVar aggregate classification (germline): Uncertain significance (1 of 4 stars; one submission).

Conditions:
Neuropathy, hereditary sensory, type 2C. Also called: KIF1A-Related HSAN2 (HSAN2C); Hereditary sensory and autonomic neuropathy type IIC. Identifiers: Orphanet 970, MedGen C3280168, MONDO:0013634, OMIM 614213.
Hereditary spastic paraplegia 30. Identifiers: Orphanet 101010, MedGen C5235139, MONDO:0012476.
Intellectual disability, autosomal dominant 9 (NESCAVS). Also called: KIF1A-Related Neurodevelopmental Disorder; NESCAV SYNDROME. Identifiers: Orphanet 662367, MedGen C5393830, MONDO:0013656, OMIM 614255.

Submission:

Labcorp Genetics (formerly Invitae), Labcorp
Classification: Uncertain significance for Hereditary spastic paraplegia 30; Neuropathy, hereditary sensory, type 2C; Intellectual disability, autosomal dominant 9. Last evaluated: 2025-02-06. Review status: criteria provided, single submitter. Criteria: Invitae Variant Classification Sherloc (09022015). Collection method: clinical testing. Allele origin: germline.
Comment: This sequence change falls in intron 43 of the KIF1A gene. It does not directly change the encoded amino acid sequence of the KIF1A protein. It affects a nucleotide within the consensus splice site. This variant is present in population databases (rs751768839, gnomAD 0.001%). This variant has not been reported in the literature in individuals affected with KIF1A-related conditions. Variants that disrupt the consensus splice site are a relatively common cause of aberrant splicing (PMID: 17576681, 9536098). Algorithms developed to predict the effect of sequence changes on RNA splicing suggest that this variant may disrupt the consensus splice site. In summary, the available evidence is currently insufficient to determine the role of this variant in disease. Therefore, it has been classified as a Variant of Uncertain Significance.

Literature cited by the submitters: PubMed 17576681; PubMed 9536098.

NM_001244008.2(KIF1A):c.5021+2TG[2]

Gene: KIF1A (kinesin family member 1A; minus strand). Cytogenetic location: 2q37.3.
Variant type: Microsatellite.
Coding change: c.5021+2TG[2] on transcript NM_001244008.2 (MANE Select); two copies in a row of the 2-base unit TG starting at c.5021+2; the reference has three copies in a row; one copy, 2 bases deleted.
Molecular consequence: splice donor variant.
Genome position (GRCh38, 1-based): chr2:240,719,767-240,719,768, CA deleted on the plus strand (TG on the coding strand, the reverse complement: KIF1A is on the minus strand); deleting any 2 consecutive bases within chr2:240,719,767-240,719,773 gives the same sequence; the position shown is the placement nearest the transcript's 3' end. VCF-style (leftmost placement, unchanged base first): chr2-240719766-CCA-C. GRCh37 (hg19) VCF-style: chr2-241659183-CCA-C.
Other names: c.4718+2TG[2] (NM_001379653.1, NM_001379650.1, NM_001379641.1 and 2 more transcripts); c.4994+2TG[2] (NM_001379645.1, NM_001379633.1); c.4844+2TG[2] (NM_001379635.1, NM_001379646.1); c.4715+2TG[2] (NM_001379640.1); c.4742+2TG[2] (NM_001379639.1); c.4745+2TG[2] (NM_001379649.1, NM_001320705.2); c.4832+2TG[2] (NM_001379636.1); c.4997+2TG[2] (NM_001379632.1); and 7 more.
Identifiers: ClinVar variation 3750561 (VCV003750561.2).